The following is an entry in ClinVar:

NM_020911.2(PLXNA4):c.4883C>T (p.Thr1628Met)

Gene: PLXNA4 (plexin A4; minus strand). Cytogenetic location: 7q32.3.
Variant type: single nucleotide variant.
Coding change: c.4883C>T on transcript NM_020911.2 (MANE Select); coding-DNA position 4883, C replaced by T.
Protein change: p.Thr1628Met; replaces threonine 1628 with methionine.
Molecular consequence: missense variant.
Genome position (GRCh38, 1-based): chr7:132,146,682, G>A on the plus strand (C>T on the coding strand, the complement: PLXNA4 is on the minus strand). VCF-style: chr7-132146682-G-A. GRCh37 (hg19) VCF-style: chr7-131831441-G-A.
Other names: c.4883C>T, p.Thr1628Met (NM_001393897.1); short protein forms T1628M.
Identifiers: ClinVar variation 4977161 (VCV004977161.1).

ClinVar aggregate classification (germline): Uncertain significance (1 of 4 stars; one submission).

Conditions:
PLXNA4-related disorder. Also called: PLXNA4-related condition.

gnomAD v4.1: 30 of 1,614,038 alleles (0.0019%); highest among the groups gnomAD compares: African/African-American, 0.015%; no homozygotes.

Submission:

PreventionGenetics, part of Exact Sciences
Classification: Uncertain significance for PLXNA4-related condition. Last evaluated: 2026-09-02. Review status: criteria provided, single submitter. Criteria: ACMG Guidelines, 2015. Collection method: clinical testing. Allele origin: germline.
Comment: The PLXNA4 c.4883C>T variant is predicted to result in the amino acid substitution p.Thr1628Met. To our knowledge, this variant has not been reported in the literature. This variant is reported in 0.021% of alleles in individuals of African descent in gnomAD. At this time, the clinical significance of this variant is uncertain due to the absence of conclusive functional and genetic evidence.